The following is an entry in ClinVar:

NM_033409.4(SLC52A3):c.667TTC[1] (p.Phe224del)

Gene: SLC52A3 (solute carrier family 52 member 3; minus strand). Cytogenetic location: 20p13.
Variant type: Microsatellite.
Coding change: c.667TTC[1] on transcript NM_033409.4 (MANE Select); one copy of the 3-base unit TTC starting at c.667; the reference has two copies in a row; one copy, 3 bases deleted.
Protein change: p.Phe224del; deletes phenylalanine 224.
Molecular consequence: inframe deletion.
Genome position (GRCh38, 1-based): chr20:763,899-763,901, GAA deleted on the plus strand (TTC on the coding strand, the reverse complement: SLC52A3 is on the minus strand); deleting any 3 consecutive bases within chr20:763,899-763,906 gives the same sequence; the position shown is the placement nearest the transcript's 3' end. VCF-style (leftmost placement, unchanged base first): chr20-763898-GGAA-G. GRCh37 (hg19) VCF-style: chr20-744542-GGAA-G.
Other names: c.667TTC[1], p.Phe224del (NM_001370085.1, NM_001370086.1); short protein forms F224del.
Identifiers: ClinVar variation 1349042 (VCV001349042.8), dbSNP rs1384973195, ClinGen allele CA509542546.

ClinVar aggregate classification (germline): Uncertain significance (1 of 4 stars; one submission).

Conditions:
Brown-Vialetto-van Laere syndrome 1. Also called: BROWN-VIALETTO-VAN LAERE SYNDROME 1, MILD; BULBAR PALSY, PROGRESSIVE, WITH SENSORINEURAL DEAFNESS; PONTOBULBAR PALSY WITH DEAFNESS. Identifiers: Orphanet 572550, Orphanet 97229, MedGen C0796274, MONDO:0024537, OMIM 211530.

Submission:

Labcorp Genetics (formerly Invitae), Labcorp
Classification: Uncertain significance for Brown-Vialetto-van Laere syndrome 1. Last evaluated: 2021-04-26. Review status: criteria provided, single submitter. Criteria: Invitae Variant Classification Sherloc (09022015). Collection method: clinical testing. Allele origin: germline.
Comment: In summary, the available evidence is currently insufficient to determine the role of this variant in disease. Therefore, it has been classified as a Variant of Uncertain Significance. This variant, c.670_672del, results in the deletion of 1 amino acid(s) of the SLC52A3 protein (p.Phe224del), but otherwise preserves the integrity of the reading frame. This variant is not present in population databases (ExAC no frequency). This variant has not been reported in the literature in individuals with SLC52A3-related conditions. Experimental studies and prediction algorithms are not available or were not evaluated, and the functional significance of this variant is currently unknown.